The following is an entry in ClinVar:

NM_000245.4(MET):c.3109A>G (p.Ser1037Gly)

Gene: MET (MET proto-oncogene, receptor tyrosine kinase; plus strand). Cytogenetic location: 7q31.2.
Variant type: single nucleotide variant.
Coding change: c.3109A>G on transcript NM_000245.4 (MANE Select); coding-DNA position 3109, A replaced by G.
Protein change: p.Ser1037Gly; replaces serine 1037 with glycine.
Molecular consequence: missense variant.
Genome position (GRCh38, 1-based): chr7:116,774,961, A>G. VCF-style: chr7-116774961-A-G. GRCh37 (hg19) VCF-style: chr7-116415015-A-G.
Other names: c.3163A>G, p.Ser1055Gly (NM_001127500.3); c.1819A>G, p.Ser607Gly (NM_001324402.2); short protein forms S1037G, S607G, S1055G.
Identifiers: ClinVar variation 947392 (VCV000947392.14), dbSNP rs1794948966, ClinGen allele CA368988144.

ClinVar aggregate classification (germline): Uncertain significance. Review status: criteria provided, multiple submitters, no conflicts (2 of 4 stars). 3 submissions from 3 submitters: Uncertain significance (3). Last evaluated 2025-09-12.

Conditions:
Hereditary cancer-predisposing syndrome. Also called: Hereditary neoplastic syndrome; Neoplastic Syndromes, Hereditary; Tumor predisposition; Hereditary Cancer Syndrome. Identifiers: Orphanet 140162, MedGen C0027672, MeSH D009386, MONDO:0015356.
Renal cell carcinoma. Identifiers: Orphanet 217071, MedGen C0007134, MeSH D002292, MONDO:0005086, HP:0005584.
Autosomal recessive nonsyndromic hearing loss 97. Also called: Deafness, autosomal recessive 97. Identifiers: Orphanet 90636, MedGen C4084709, MONDO:0014739, OMIM 616705.

Allele frequency attached by ClinVar (database versions not stated): gnomAD exomes below 0.00001.
gnomAD v4.1: 1 of 1,614,070 alleles (0.000062%); highest among the groups gnomAD compares: Non-Finnish European, 0.000085%; no homozygotes.

Submissions (3):

Labcorp Genetics (formerly Invitae), Labcorp
Classification: Uncertain significance for Renal cell carcinoma. Last evaluated: 2025-09-12. Review status: criteria provided, single submitter. Criteria: Invitae Variant Classification Sherloc (09022015). Collection method: clinical testing. Allele origin: germline.
Comment: This sequence change replaces serine, which is neutral and polar, with glycine, which is neutral and non-polar, at codon 1055 of the MET protein (p.Ser1055Gly). This variant is not present in population databases (gnomAD no frequency). This variant has not been reported in the literature in individuals affected with MET-related conditions. ClinVar contains an entry for this variant (Variation ID: 947392). An algorithm developed to predict the effect of missense changes on protein structure and function outputs the following: PolyPhen-2: "Benign". The glycine amino acid residue is found in multiple mammalian species, which suggests that this missense change does not adversely affect protein function. In summary, the available evidence is currently insufficient to determine the role of this variant in disease. Therefore, it has been classified as a Variant of Uncertain Significance.

Ambry Genetics
Classification: Uncertain significance for Hereditary cancer-predisposing syndrome. Last evaluated: 2025-06-13. Review status: criteria provided, single submitter. Criteria: Ambry Variant Classification Scheme 2023. Collection method: clinical testing. Allele origin: germline.
Comment: The p.S1055G variant (also known as c.3163A>G), located in coding exon 14 of the MET gene, results from an A to G substitution at nucleotide position 3163. The serine at codon 1055 is replaced by glycine, an amino acid with similar properties. This amino acid position is well conserved in available vertebrate species. In addition, this alteration is predicted to be tolerated by in silico analysis. Since supporting evidence is limited at this time, the clinical significance of this alteration remains unclear.

Baylor Genetics
Classification: Uncertain significance for Autosomal recessive nonsyndromic hearing loss 97. Last evaluated: 2023-10-20. Review status: criteria provided, single submitter. Criteria: ACMG Guidelines, 2015. Collection method: clinical testing. Allele origin: unknown.